The following is an entry in ClinVar:

ClinVar aggregate classification (germline): Benign. Review status: criteria provided, multiple submitters, no conflicts (2 of 4 stars). 2 submissions from 2 submitters: Benign (2). Last evaluated 2018-01-13.

Conditions:
Congenital brain dysgenesis due to glutamine synthetase deficiency (GLND). Also called: GLUTAMINE SYNTHASE DEFICIENCY, CONGENITAL SYSTEMIC. Identifiers: Orphanet 71278, MedGen C1864910, MONDO:0012393, OMIM 610015.

Allele frequency attached by ClinVar (database versions not stated): TOPMed 0.60277; 1000 Genomes Project 0.67572; gnomAD exomes 0.55034; gnomAD 0.59226; 1000 Genomes Project 30x 0.67895.
gnomAD v4.1: 182,080 of 319,868 alleles (57%); highest among the groups gnomAD compares: East Asian, 83%; 53,865 homozygotes.

Submissions (2):

Illumina Laboratory Services, Illumina
Classification: Benign for Congenital brain dysgenesis due to glutamine synthetase deficiency. Last evaluated: 2018-01-13. Review status: criteria provided, single submitter. Criteria: ICSL Variant Classification Criteria 13 December 2019. Collection method: clinical testing. Allele origin: germline.
Comment: This variant was observed in the ICSL laboratory as part of a predisposition screen in an ostensibly healthy population. It had not been previously curated by ICSL or reported in the Human Gene Mutation Database (HGMD: prior to June 1st, 2018), and was therefore a candidate for classification through an automated scoring system. Utilizing variant allele frequency, disease prevalence and penetrance estimates, and inheritance mode, an automated score was calculated to assess if this variant is too frequent to cause the disease. Based on the score and internal cut-off values, a variant classified as benign is not then subjected to further curation. The score for this variant resulted in a classification of benign for this disease.

Breakthrough Genomics
Classification: Benign. Review status: criteria provided, single submitter. Criteria: ACMG Guidelines, 2015. Collection method: not provided. Allele origin: germline. Inheritance: Autosomal recessive inheritance. Affected: yes.

NM_001033044.4(GLUL):c.*342T>A

Gene: GLUL (glutamate-ammonia ligase; minus strand). Cytogenetic location: 1q25.3.
Variant type: single nucleotide variant.
Coding change: c.*342T>A on transcript NM_001033044.4 (MANE Select); 342 bases downstream of the stop codon, T replaced by A.
Molecular consequence: 3 prime UTR variant.
Genome position (GRCh38, 1-based): chr1:182,384,063, A>T on the plus strand (T>A on the coding strand, the complement: GLUL is on the minus strand). VCF-style: chr1-182384063-A-T. GRCh37 (hg19) VCF-style: chr1-182353198-A-T.
Other names: c.*342T>A (NM_001033056.4, NM_002065.7).
Identifiers: ClinVar variation 293934 (VCV000293934.6), dbSNP rs9347, ClinGen allele CA10608915.